The following is an entry in ClinVar:

NM_004329.3(BMPR1A):c.934del (p.His312fs)

Gene: BMPR1A (bone morphogenetic protein receptor type 1A; plus strand). Cytogenetic location: 10q23.2.
Variant type: Deletion.
Coding change: c.934del on transcript NM_004329.3 (MANE Select); coding-DNA position 934, one base deleted (C; older notation c.934delC).
Protein change: p.His312fs; shifts the reading frame from histidine 312.
Molecular consequence: frameshift variant.
Genome position (GRCh38, 1-based): chr10:86,919,237, C deleted; the last of 2 consecutive C bases (chr10:86,919,236-86,919,237); deleting either gives the same sequence. VCF-style (leftmost placement, unchanged base first): chr10-86919235-AC-A. GRCh37 (hg19) VCF-style: chr10-88678992-AC-A.
Other names: c.934delC (NM_004329.2); short protein forms H312fs.
Identifiers: ClinVar variation 411641 (VCV000411641.51), dbSNP rs1060503408, ClinGen allele CA16612982.

ClinVar aggregate classification (germline): Pathogenic. Review status: criteria provided, multiple submitters, no conflicts (2 of 4 stars). 3 submissions from 3 submitters: Pathogenic (3). Last evaluated 2025-11-17.

Conditions:
Juvenile polyposis syndrome (JPS). Identifiers: Orphanet 2929, MedGen C0345893, MONDO:0017380, OMIM 174900.
Hereditary cancer-predisposing syndrome. Also called: Hereditary neoplastic syndrome; Neoplastic Syndromes, Hereditary; Tumor predisposition; Hereditary Cancer Syndrome. Identifiers: Orphanet 140162, MedGen C0027672, MeSH D009386, MONDO:0015356.

Submissions (3):

Ambry Genetics
Classification: Pathogenic for Hereditary cancer-predisposing syndrome. Last evaluated: 2025-11-17. Review status: criteria provided, single submitter. Criteria: Ambry Variant Classification Scheme 2023. Collection method: clinical testing. Allele origin: germline.
Comment: The c.934delC pathogenic mutation, located in coding exon 8 of the BMPR1A gene, results from a deletion of one nucleotide at nucleotide position 934, causing a translational frameshift with a predicted alternate stop codon (p.H312Mfs*10). This variant is considered to be rare based on population cohorts in the Genome Aggregation Database (gnomAD). This alteration is expected to result in loss of function by premature protein truncation or nonsense-mediated mRNA decay. As such, this alteration is interpreted as a disease-causing mutation.

Myriad Genetics, Inc.
Classification: Pathogenic for Juvenile polyposis syndrome. Last evaluated: 2023-05-26. Review status: criteria provided, single submitter. Criteria: Myriad Autosomal Dominant, Autosomal Recessive and X-Linked Classification Criteria (2023). Collection method: clinical testing. Allele origin: unknown.
Comment: This variant is considered pathogenic. This variant creates a frameshift predicted to result in premature protein truncation.

Labcorp Genetics (formerly Invitae), Labcorp
Classification: Pathogenic for Juvenile polyposis syndrome. Last evaluated: 2017-09-18. Review status: criteria provided, single submitter. Criteria: Invitae Variant Classification Sherloc (09022015). Collection method: clinical testing. Allele origin: germline.
Comment: For these reasons, this variant has been classified as Pathogenic. While this particular variant has not been reported in the literature, loss-of-function variants in BMPR1A are known to be pathogenic (PMID: 11536076, 12417513). This sequence change deletes 1 nucleotide from exon 10 of the BMPR1A mRNA (c.934delC), causing a frameshift at codon 312. This creates a premature translational stop signal (p.His312Metfs*10) and is expected to result in an absent or disrupted protein product.

Literature cited by the submitters: PubMed 11536076 (cited by Labcorp Genetics (formerly Invitae), Labcorp); PubMed 12417513 (cited by Labcorp Genetics (formerly Invitae), Labcorp).